The following is an entry in ClinVar:

NM_001267550.2(TTN):c.41609-1G>A

Gene: TTN (titin; minus strand). Cytogenetic location: 2q31.2.
Variant type: single nucleotide variant.
Coding change: c.41609-1G>A on transcript NM_001267550.2 (MANE Select); the canonical splice acceptor site of the intron before coding-DNA position 41609, G replaced by A.
Molecular consequence: splice acceptor variant.
Genome position (GRCh38, 1-based): chr2:178,635,716, C>T on the plus strand (G>A on the coding strand, the complement: TTN is on the minus strand). VCF-style: chr2-178635716-C-T. GRCh37 (hg19) VCF-style: chr2-179500443-C-T.
Other names: c.14414-1G>A (NM_003319.4); c.14990-1G>A (NM_133437.4); c.14789-1G>A (NM_133432.3); c.33905-1G>A (NM_133378.4); c.36686-1G>A (NM_001256850.1).
Identifiers: ClinVar variation 3463744 (VCV003463744.1).
Genomic context (GRCh38, chr2:178,635,716, plus strand): 5'-TCCCCTTGGGTTTCACATGCTGGTCTCGTATAGGTTTCACCAGCCAATCTCTAATGACTT[C>T]TATATGAAAATAAGATCAGAAAAAATGATTAAGGTCTGAACAAGTAATATACATAGCTTC-3'

ClinVar aggregate classification (germline): Uncertain significance (1 of 4 stars; one submission).

Conditions:
Cardiovascular phenotype. Identifiers: MedGen CN230736.

Submission:

Ambry Genetics
Classification: Uncertain significance for Cardiovascular phenotype. Last evaluated: 2024-08-01. Review status: criteria provided, single submitter. Criteria: Ambry Variant Classification Scheme 2023. Collection method: clinical testing. Allele origin: germline.
Comment: The c.14414-1G>A intronic variant results from a G to A substitution one nucleotide upstream from coding exon 54 of the TTN gene. Coding exon 54 is located in the I-band region of the N2-B isoform of the titin protein and is constitutively expressed in TTN transcripts (percent spliced in or PSI 100%). This nucleotide position is highly conserved in available vertebrate species. In silico splice site analysis predicts that this alteration will weaken the native splice acceptor site and will result in the creation or strengthening of a novel splice acceptor site. This alteration disrupts the canonical splice site and is expected to cause aberrant splicing. However, although direct evidence is unavailable, this alteration is predicted to result in an in-frame transcript that is not expected to trigger nonsense-mediated mRNA decay. The exact functional effect of the predicted splice impact is unknown. Based on the available evidence, the clinical significance of this variant remains unclear.